The following is an entry in ClinVar:

NM_001270974.2(HYDIN):c.2873A>G (p.Lys958Arg)

Gene: HYDIN (HYDIN axonemal central pair apparatus protein; minus strand). Cytogenetic location: 16q22.2.
Variant type: single nucleotide variant.
Coding change: c.2873A>G on transcript NM_001270974.2 (MANE Select); coding-DNA position 2873, A replaced by G.
Protein change: p.Lys958Arg; replaces lysine 958 with arginine.
Molecular consequence: missense variant.
Genome position (GRCh38, 1-based): chr16:71,027,771, T>C on the plus strand (A>G on the coding strand, the complement: HYDIN is on the minus strand). VCF-style: chr16-71027771-T-C. GRCh37 (hg19) VCF-style: chr16-71061674-T-C.
Other names: c.2873A>G, p.Lys958Arg (NM_017558.5); short protein forms K958R.
Identifiers: ClinVar variation 2499888 (VCV002499888.1), dbSNP rs1380796214, ClinGen allele CA396628599.

ClinVar aggregate classification (germline): Uncertain significance (1 of 4 stars; one submission).

Submission:

GeneDx
Classification: Uncertain significance. Last evaluated: 2022-10-18. Review status: criteria provided, single submitter. Criteria: GeneDx Variant Classification Process June 2021. Collection method: clinical testing. Allele origin: germline. Affected: yes.
Comment: In silico analysis supports that this missense variant does not alter protein structure/function; Has not been previously published as pathogenic or benign to our knowledge